The following is an entry in ClinVar:

ClinVar aggregate classification (germline): Likely pathogenic (1 of 4 stars; one submission).

Conditions:
Usher syndrome type 1D (USH1D). Also called: USHER SYNDROME, TYPE ID. Identifiers: Orphanet 231169, Orphanet 886, MedGen C1832845, MONDO:0010984, OMIM 601067.

Submission:

Myriad Genetics, Inc.
Classification: Likely pathogenic for Usher syndrome type 1D. Last evaluated: 2021-11-12. Review status: criteria provided, single submitter. Criteria: Myriad Women's Health Autosomal Recessive and X-Linked Classification Criteria (2021). Collection method: clinical testing. Allele origin: unknown.
Comment: NM_033056.3(PCDH15):c.1454_1455delAT(D485Gfs*6) is expected to be pathogenic in the context of PCDH15-related disorders. This variant is predicted to lead to an abnormal or absent protein product due to the creation of a premature termination codon in PCDH15, a gene where loss-of-function variants are known to be pathogenic. Please note: this variant was assessed in the context of healthy population screening.

NM_001384140.1(PCDH15):c.1454_1455del (p.Asp485fs)

Gene: PCDH15 (protocadherin related 15; minus strand). Cytogenetic location: 10q21.1.
Variant type: Deletion.
Coding change: c.1454_1455del on transcript NM_001384140.1 (MANE Select); coding-DNA positions 1454 to 1455, 2 bases deleted (AT; older notation c.1454_1455delAT).
Protein change: p.Asp485fs; shifts the reading frame from aspartic acid 485.
Molecular consequence: frameshift variant.
Genome position (GRCh38, 1-based): chr10:54,183,579-54,183,580, AT deleted on the plus strand (AT on the coding strand, the reverse complement: PCDH15 is on the minus strand). VCF-style (leftmost placement, unchanged base first): chr10-54183578-CAT-C. GRCh37 (hg19) VCF-style: chr10-55943338-CAT-C.
Other names: c.1343_1344del, p.Asp448fs (NM_001142767.2); c.1388_1389del, p.Asp463fs (NM_001142768.2, NM_001142773.2, NM_001354404.2); c.1490_1491delAT, p.Asp497Glyfs (NM_001142769.4); c.1454_1455del, p.Asp485fs (NM_001142770.3, NM_001142772.2, NM_001354420.2 and 6 more transcripts); c.1469_1470del, p.Asp490fs (NM_001142771.2, NM_001142763.2); c.1475_1476del, p.Asp492fs (NM_001354411.2); short protein forms D448fs, D463fs, D485fs, D490fs, D492fs, D497fs.
Identifiers: ClinVar variation 1724428 (VCV001724428.2), dbSNP rs2539477388, ClinGen allele CA2580081644.